The following is an entry in ClinVar:

ClinVar aggregate classification (germline): Uncertain significance (1 of 4 stars; one submission).

gnomAD v4.1: 6 of 1,608,000 alleles (0.00037%); highest among the groups gnomAD compares: Admixed American, 0.0034%; no homozygotes.

Submission:

Labcorp Genetics (formerly Invitae), Labcorp
Classification: Uncertain significance. Last evaluated: 2021-08-28. Review status: criteria provided, single submitter. Criteria: Invitae Variant Classification Sherloc (09022015). Collection method: clinical testing. Allele origin: germline.
Comment: This sequence change replaces alanine with serine at codon 4718 of the USH2A protein (p.Ala4718Ser). The alanine residue is moderately conserved and there is a moderate physicochemical difference between alanine and serine. This variant is not present in population databases (ExAC no frequency). This variant has not been reported in the literature in individuals affected with USH2A-related conditions. Algorithms developed to predict the effect of missense changes on protein structure and function are either unavailable or do not agree on the potential impact of this missense change (SIFT: "Deleterious"; PolyPhen-2: "Probably Damaging"; Align-GVGD: "Class C0"). In summary, the available evidence is currently insufficient to determine the role of this variant in disease. Therefore, it has been classified as a Variant of Uncertain Significance.

NM_206933.4(USH2A):c.14152G>T (p.Ala4718Ser)

Gene: USH2A (usherin; minus strand). Cytogenetic location: 1q41.
Variant type: single nucleotide variant.
Coding change: c.14152G>T on transcript NM_206933.4 (MANE Select); coding-DNA position 14152, G replaced by T.
Protein change: p.Ala4718Ser; replaces alanine 4718 with serine.
Molecular consequence: missense variant.
Genome position (GRCh38, 1-based): chr1:215,650,783, C>A on the plus strand (G>T on the coding strand, the complement: USH2A is on the minus strand). VCF-style: chr1-215650783-C-A. GRCh37 (hg19) VCF-style: chr1-215824125-C-A.
Other names: short protein forms A4718S.
Identifiers: ClinVar variation 1980804 (VCV001980804.1), dbSNP rs1038432544, ClinGen allele CA37392662.